The following is an entry in ClinVar:

ClinVar aggregate classification (germline): Uncertain significance (1 of 4 stars; one submission).

Conditions:
Hereditary cancer-predisposing syndrome. Also called: Neoplastic Syndromes, Hereditary; Tumor predisposition; Hereditary neoplastic syndrome; Hereditary Cancer Syndrome. Identifiers: Orphanet 140162, MedGen C0027672, MeSH D009386, MONDO:0015356.

Submission:

Ambry Genetics
Classification: Uncertain significance for Hereditary cancer-predisposing syndrome. Last evaluated: 2025-04-16. Review status: criteria provided, single submitter. Criteria: Ambry Variant Classification Scheme 2023. Collection method: clinical testing. Allele origin: germline.
Comment: The p.R229L variant (also known as c.686G>T), located in coding exon 3 of the MEN1 gene, results from a G to T substitution at nucleotide position 686. The arginine at codon 229 is replaced by leucine, an amino acid with dissimilar properties. This variant was reported in individual(s) with features consistent with multiple endocrine neoplasia type 1 (Bergman L et al. Br J Cancer, 2000 Oct;83:1009-14). In a functional study examining intracellular stability of mutant menin protein, this variant was shown to result in reduced protein levels when compared to wild-type control and was about twice as high as well-established pathogenic variants in MEN1 (Shimazu S et al. Cancer Sci, 2011 Nov;102:2097-102). This amino acid position is well conserved in available vertebrate species. In addition, this alteration is predicted to be deleterious by in silico analysis. Based on the available evidence, the clinical significance of this variant remains unclear.

Literature cited by the submitters: PubMed 10993647; PubMed 21819486.

NM_001370259.2(MEN1):c.686G>T (p.Arg229Leu)

Gene: MEN1 (menin 1; minus strand). Cytogenetic location: 11q13.1.
Variant type: single nucleotide variant.
Coding change: c.686G>T on transcript NM_001370259.2 (MANE Select); coding-DNA position 686, G replaced by T.
Protein change: p.Arg229Leu; replaces arginine 229 with leucine.
Molecular consequence: missense variant. On other transcripts: non-coding transcript variant (4).
Genome position (GRCh38, 1-based): chr11:64,807,649, C>A on the plus strand (G>T on the coding strand, the complement: MEN1 is on the minus strand). VCF-style: chr11-64807649-C-A. GRCh37 (hg19) VCF-style: chr11-64575121-C-A.
Other names: c.701G>T, p.Arg234Leu (NM_000244.4, NM_001407150.1, NM_130800.3 and 5 more transcripts); c.686G>T, p.Arg229Leu (NM_001370251.2, NM_001370260.2, NM_001370261.2 and 7 more transcripts); c.581G>T, p.Arg194Leu (NM_001370262.2, NM_001407148.1, NM_001407149.1 and 2 more transcripts); short protein forms R194L, R229L, R234L.
Identifiers: ClinVar variation 4053798 (VCV004053798.1).